The following is an entry in ClinVar:

NM_201599.3(ZMYM3):c.3803A>G (p.Asp1268Gly)

Gene: ZMYM3 (zinc finger MYM-type containing 3; minus strand). Cytogenetic location: Xq13.1.
Variant type: single nucleotide variant.
Coding change: c.3803A>G on transcript NM_201599.3 (MANE Select); coding-DNA position 3803, A replaced by G.
Protein change: p.Asp1268Gly; replaces aspartic acid 1268 with glycine.
Molecular consequence: missense variant.
Genome position (GRCh38, 1-based): chrX:71,241,344, T>C on the plus strand (A>G on the coding strand, the complement: ZMYM3 is on the minus strand). VCF-style: chrX-71241344-T-C. GRCh37 (hg19) VCF-style: chrX-70461194-T-C.
Other names: c.3767A>G, p.Asp1256Gly (NM_001171162.1); c.3803A>G, p.Asp1268Gly (NM_005096.3); short protein forms D1256G, D1268G.
Identifiers: ClinVar variation 5016708 (VCV005016708.1).

ClinVar aggregate classification (germline): Likely pathogenic (1 of 4 stars; one submission).

Submission:

GeneDx
Classification: Likely pathogenic. Last evaluated: 2026-03-29. Review status: criteria provided, single submitter. Criteria: GeneDx Variant Classification Process June 2021. Collection method: clinical testing. Allele origin: germline.
Comment: Not observed at significant frequency in large population cohorts (gnomAD); In silico analysis supports that this missense variant has a deleterious effect on protein structure/function; Has not been previously published as pathogenic or benign to our knowledge